The following is an entry in ClinVar:

NM_000342.4(SLC4A1):c.2384del (p.Met795fs)

Gene: SLC4A1 (solute carrier family 4 member 1 (Diego blood group); minus strand). Cytogenetic location: 17q21.31.
Variant type: Deletion.
Coding change: c.2384del on transcript NM_000342.4 (MANE Select); coding-DNA position 2384, one base deleted (T; older notation c.2384delT).
Protein change: p.Met795fs; shifts the reading frame from methionine 795.
Molecular consequence: frameshift variant.
Genome position (GRCh38, 1-based): chr17:44,251,516, A deleted on the plus strand (T on the coding strand, the reverse complement: SLC4A1 is on the minus strand). VCF-style (leftmost placement, unchanged base first): chr17-44251515-CA-C. GRCh37 (hg19) VCF-style: chr17-42328883-CA-C.
Other names: short protein forms M795fs.
Identifiers: ClinVar variation 2683518 (VCV002683518.1), dbSNP rs2509958853, ClinGen allele CA2697559949.

ClinVar aggregate classification (germline): Likely pathogenic (1 of 4 stars; one submission).

Submission:

Mayo Clinic Laboratories, Mayo Clinic
Classification: Likely pathogenic. Last evaluated: 2022-10-13. Review status: criteria provided, single submitter. Criteria: ACMG Guidelines, 2015. Collection method: clinical testing. Allele origin: germline. Observed: 1 variant allele.
Comment: PM2, PVS1